The following is an entry in ClinVar:

NM_001042492.3(NF1):c.2084T>G (p.Leu695Arg)

Gene: NF1 (neurofibromin 1; plus strand). Cytogenetic location: 17q11.2.
Variant type: single nucleotide variant.
Coding change: c.2084T>G on transcript NM_001042492.3 (MANE Select); coding-DNA position 2084, T replaced by G.
Protein change: p.Leu695Arg; replaces leucine 695 with arginine.
Molecular consequence: missense variant.
Genome position (GRCh38, 1-based): chr17:31,226,517, T>G. VCF-style: chr17-31226517-T-G. GRCh37 (hg19) VCF-style: chr17-29553535-T-G.
Other names: c.2084T>G, p.Leu695Arg (NM_000267.4); short protein forms L695R.
Identifiers: ClinVar variation 1686757 (VCV001686757.4), dbSNP rs199474761, ClinGen allele CA398982213.

ClinVar aggregate classification (germline): Likely pathogenic. Review status: criteria provided, multiple submitters, no conflicts (2 of 4 stars). 3 submissions from 3 submitters: Likely pathogenic (3). Last evaluated 2026-05-30.

Conditions:
Neurofibromatosis, type 1 (NF1). Also called: VON RECKLINGHAUSEN DISEASE; Peripheral type neurofibromatosis; Neurofibromatosis, type I; NEUROFIBROMATOSIS, TYPE I, SOMATIC. Identifiers: Orphanet 636, MedGen C0027831, MONDO:0018975, OMIM 162200. Disease mechanism: loss of function.

Submissions (3):

NHS Central & South Genomic Laboratory Hub
Classification: Likely pathogenic for Neurofibromatosis type 1. Last evaluated: 2026-05-30. Review status: criteria provided, single submitter. Criteria: ACMG Guidelines, 2015. Collection method: clinical testing. Allele origin: germline. Affected: yes.

Clinical Genetics Laboratory, Skane University Hospital Lund
Classification: Likely pathogenic. Last evaluated: 2023-07-20. Review status: criteria provided, single submitter. Criteria: ACMG Guidelines, 2015. Collection method: clinical testing. Allele origin: germline. Affected: yes.

GeneDx
Classification: Likely pathogenic. Last evaluated: 2022-02-10. Review status: criteria provided, single submitter. Criteria: GeneDx Variant Classification Process June 2021. Collection method: clinical testing. Allele origin: germline. Affected: yes.
Comment: Identified in a patient with cutaneous neurofibromas and no other reported NF1-related features in published literature (Upadhyaya 2009); Not observed at significant frequency in large population cohorts (gnomAD); In silico analysis supports that this missense variant has a deleterious effect on protein structure/function; This variant is associated with the following publications: (PMID: 25486365, 19221814)